The following is an entry in ClinVar:

NM_001276270.2(MBD4):c.1035C>T (p.Asn345=)

Gene: MBD4 (methyl-CpG binding domain 4, DNA glycosylase; minus strand). Cytogenetic location: 3q21.3.
Variant type: single nucleotide variant.
Coding change: c.1035C>T on transcript NM_001276270.2 (MANE Select); coding-DNA position 1035, C replaced by T.
Protein change: p.Asn345=; no amino-acid change (asparagine 345 retained).
Molecular consequence: synonymous variant. On other transcripts: intron variant (1).
Genome position (GRCh38, 1-based): chr3:129,436,609, G>A on the plus strand (C>T on the coding strand, the complement: MBD4 is on the minus strand). VCF-style: chr3-129436609-G-A. GRCh37 (hg19) VCF-style: chr3-129155452-G-A.
Other names: c.1035C>T, p.Asn345= (NM_001276271.2, NM_001276272.2, NM_003925.3); c.247+1199C>T (NM_001276273.2).
Identifiers: ClinVar variation 2873655 (VCV002873655.5), dbSNP rs748961506, ClinGen allele CA2605425.

ClinVar aggregate classification (germline): Benign/Likely benign. Review status: criteria provided, multiple submitters, no conflicts (2 of 4 stars). 3 submissions from 3 submitters: Benign (1); Likely benign (2). Last evaluated 2026-06-10.

Conditions:
Inborn genetic diseases. Identifiers: MedGen C0950123, MeSH D030342.
Tumor predisposition syndrome 2 (TPDS2). Also called: MBD4-ASSOCIATED NEOPLASIA SYNDROME; MBD4-Related Tumor Predisposition Syndrome; MBD4-associated neoplasia syndrome (MANS). Identifiers: Orphanet 661526, MedGen C5774186, MONDO:0859267, OMIM 619975.

Allele frequency attached by ClinVar (database versions not stated): gnomAD 0.00001; TOPMed 0.00001; ExAC 0.00003.
gnomAD v4.1: 26 of 1,613,982 alleles (0.0016%); highest among the groups gnomAD compares: South Asian, 0.016%; no homozygotes.

Submissions (3):

Myriad Genetics, Inc.
Classification: Benign for Tumor predisposition syndrome 2. Last evaluated: 2026-06-10. Review status: criteria provided, single submitter. Criteria: Myriad Autosomal Dominant, Autosomal Recessive and X-Linked Classification Criteria (2023). Collection method: clinical testing. Allele origin: unknown.
Comment: This variant is considered benign. This variant is a silent/synonymous amino acid change and it is not expected to impact splicing.

Labcorp Genetics (formerly Invitae), Labcorp
Classification: Likely benign. Last evaluated: 2025-10-07. Review status: criteria provided, single submitter. Criteria: Invitae Variant Classification Sherloc (09022015). Collection method: clinical testing. Allele origin: germline.

Ambry Genetics
Classification: Likely benign for Inborn genetic diseases. Last evaluated: 2024-12-02. Review status: criteria provided, single submitter. Criteria: Ambry Variant Classification Scheme 2023. Collection method: clinical testing. Allele origin: germline.